The following is an entry in ClinVar:

ClinVar aggregate classification (germline): Likely benign (1 of 4 stars; one submission).

gnomAD v4.1: 2,027 of 1,613,640 alleles (0.13%); highest among the groups gnomAD compares: Non-Finnish European, 0.13%; 4 homozygotes.

Submission:

CeGaT Center for Human Genetics Tuebingen
Classification: Likely benign. Last evaluated: 2026-02-01. Review status: criteria provided, single submitter. Criteria: CeGaT Center For Human Genetics Tuebingen Variant Classification Criteria Version 2. Collection method: clinical testing. Allele origin: germline. Affected: yes. Observed: 2 variant alleles.
Comment: PLAAT3: BP4, BP7

NM_001128203.2(PLAAT3):c.156C>T (p.Ser52=)

Gene: PLAAT3 (phospholipase A and acyltransferase 3; minus strand). Cytogenetic location: 11q12.3.
Variant type: single nucleotide variant.
Coding change: c.156C>T on transcript NM_001128203.2 (MANE Select); coding-DNA position 156, C replaced by T.
Protein change: p.Ser52=; no amino-acid change (serine 52 retained).
Molecular consequence: synonymous variant.
Genome position (GRCh38, 1-based): chr11:63,590,331, G>A on the plus strand (C>T on the coding strand, the complement: PLAAT3 is on the minus strand). VCF-style: chr11-63590331-G-A. GRCh37 (hg19) VCF-style: chr11-63357803-G-A.
Other names: c.156C>T, p.Ser52= (NM_007069.3).
Identifiers: ClinVar variation 4681312 (VCV004681312.5).
Genomic context (GRCh38, chr11:63,590,331, plus strand): 5'-GTCACTCCCGGCCACATCATACAGCAATTCCTTCTTCACGATGGCCTTGTCAGTCAGGGC[G>A]GACATGACACTGGCTGCACCAGCTCCTGCGACCTCACCTGCAGATCCACAAAGAGGAAAC-3'
Protein context (NP_001121675.1, residues 42-62): VAGAGAASVM[Ser52=]ALTDKAIVKK